The following is an entry in ClinVar:

NM_153766.3(KCNJ1):c.416_417del (p.Phe139fs)

Gene: KCNJ1 (potassium inwardly rectifying channel subfamily J member 1; minus strand). Cytogenetic location: 11q24.3.
Variant type: Deletion.
Coding change: c.416_417del on transcript NM_153766.3 (MANE Select); coding-DNA positions 416 to 417, 2 bases deleted (TT; older notation c.416_417delTT).
Protein change: p.Phe139fs; shifts the reading frame from phenylalanine 139.
Molecular consequence: frameshift variant.
Genome position (GRCh38, 1-based): chr11:128,839,827-128,839,828, AA deleted on the plus strand (TT on the coding strand, the reverse complement: KCNJ1 is on the minus strand); deleting any 2 consecutive bases within chr11:128,839,827-128,839,831 gives the same sequence; the c. name uses the placement nearest the transcript's 3' end. VCF-style (leftmost placement, unchanged base first): chr11-128839826-GAA-G. GRCh37 (hg19) VCF-style: chr11-128709721-GAA-G.
Other names: c.473_474del, p.Phe158fs (NM_000220.6); c.416_417del, p.Phe139fs (NM_153764.3, NM_153767.4); c.467_468del, p.Phe156fs (NM_153765.3); c.473_474delTT (NM_000220.6); short protein forms F158fs, F156fs, F139fs.
Identifiers: ClinVar variation 2852764 (VCV002852764.6), dbSNP rs762787323, ClinGen allele CA6357526.

ClinVar aggregate classification (germline): Pathogenic/Likely pathogenic. Review status: criteria provided, multiple submitters, no conflicts (2 of 4 stars). 4 submissions from 4 submitters: Pathogenic (1); Likely pathogenic (3). Last evaluated 2026-06-02.

Conditions:
Bartter disease type 2. Also called: HYPERPROSTAGLANDIN E SYNDROME 2; HYPOKALEMIC ALKALOSIS WITH HYPERCALCIURIA 2, ANTENATAL; Bartter syndrome, type 2, antenatal. Identifiers: Orphanet 112, Orphanet 620220, MedGen C1855849, MONDO:0009424, OMIM 241200.
Renal tubulopathies.

Submissions (4):

Genetics Laboratory, Great Ormond Street Hospital NHS Foundation Trust, North Thames Genomic Laboratory Hub
Classification: Likely pathogenic for Renal tubulopathies. Last evaluated: 2026-06-02. Review status: criteria provided, single submitter. Criteria: ACGS Best Practice Guidelines for Variant Classification in Rare Disease 2024 v1.2. Collection method: clinical testing. Allele origin: germline. Affected: yes.
Comment: PM2_moderate, PVS1_strong

Fulgent Genetics
Classification: Likely pathogenic for Bartter disease type 2. Last evaluated: 2024-04-26. Review status: criteria provided, single submitter. Criteria: ACMG Guidelines, 2015. Collection method: clinical testing. Allele origin: germline.

UAEU Genomics Laboratory, United Arab Emirates University
Classification: Likely pathogenic for Bartter disease type 2. Last evaluated: 2023-10-10. Review status: criteria provided, single submitter. Criteria: ACMG Guidelines, 2015. Collection method: research. Allele origin: germline. Affected: yes. Observed: 1 variant allele.
Comment: PM2, PVS1_Strong

Labcorp Genetics (formerly Invitae), Labcorp
Classification: Pathogenic. Last evaluated: 2023-04-06. Review status: criteria provided, single submitter. Criteria: Invitae Variant Classification Sherloc (09022015). Collection method: clinical testing. Allele origin: germline.
Comment: This sequence change creates a premature translational stop signal (p.Phe158Serfs*57) in the KCNJ1 gene. While this is not anticipated to result in nonsense mediated decay, it is expected to disrupt the last 234 amino acid(s) of the KCNJ1 protein. This variant is not present in population databases (gnomAD no frequency). This variant has not been reported in the literature in individuals affected with KCNJ1-related conditions. This variant disrupts a region of the KCNJ1 protein in which other variant(s) (p.His354Serfs*8) have been determined to be pathogenic (PMID: 11318951). This suggests that this is a clinically significant region of the protein, and that variants that disrupt it are likely to be disease-causing. For these reasons, this variant has been classified as Pathogenic.

Literature cited by the submitters: PubMed 11318951 (cited by Labcorp Genetics (formerly Invitae), Labcorp).